The following is an entry in ClinVar:

ClinVar aggregate classification (germline): Benign. Review status: criteria provided, multiple submitters, no conflicts (2 of 4 stars). 2 submissions from 2 submitters: Benign (2). Last evaluated 2018-06-16.

Allele frequency attached by ClinVar (database versions not stated): gnomAD 0.13127; TOPMed 0.13923; 1000 Genomes Project 30x 0.20987; 1000 Genomes Project 0.21266.
gnomAD v4.1: 66,292 of 700,000 alleles (9.5%); highest among the groups gnomAD compares: East Asian, 36%; 6,669 homozygotes.

Submissions (2):

GeneDx
Classification: Benign. Last evaluated: 2018-06-16. Review status: criteria provided, single submitter. Criteria: GeneDx Variant Classification (06012015). Collection method: clinical testing. Allele origin: germline. Affected: yes.
Comment: This variant is considered likely benign or benign based on one or more of the following criteria: it is a conservative change, it occurs at a poorly conserved position in the protein, it is predicted to be benign by multiple in silico algorithms, and/or has population frequency not consistent with disease.

Breakthrough Genomics
Classification: Benign. Review status: criteria provided, single submitter. Criteria: ACMG Guidelines, 2015. Collection method: not provided. Allele origin: germline. Inheritance: Autosomal dominant inheritance. Affected: yes.

NM_003072.5(SMARCA4):c.3547-155C>G

Gene: SMARCA4 (SWI/SNF related BAF chromatin remodeling complex subunit ATPase 4; plus strand). Cytogenetic location: 19p13.2.
Variant type: single nucleotide variant.
Coding change: c.3547-155C>G on transcript NM_003072.5 (MANE Select); 155 bases into the intron before coding-DNA position 3547, C replaced by G.
Molecular consequence: intron variant.
Genome position (GRCh38, 1-based): chr19:11,033,135, C>G. VCF-style: chr19-11033135-C-G. GRCh37 (hg19) VCF-style: chr19-11143811-C-G.
Other names: c.3547-155C>G (NM_001128844.3, NM_001128849.3, NM_001128847.4 and 5 more transcripts).
Identifiers: ClinVar variation 677120 (VCV000677120.2), dbSNP rs58486047, ClinGen allele CA16568150.